The following is an entry in ClinVar:

NM_001349253.2(SCN11A):c.2859C>A (p.Asn953Lys)

Gene: SCN11A (sodium voltage-gated channel alpha subunit 11; minus strand). Cytogenetic location: 3p22.2.
Variant type: single nucleotide variant.
Coding change: c.2859C>A on transcript NM_001349253.2 (MANE Select); coding-DNA position 2859, C replaced by A.
Protein change: p.Asn953Lys; replaces asparagine 953 with lysine.
Molecular consequence: missense variant.
Genome position (GRCh38, 1-based): chr3:38,886,215, G>T on the plus strand (C>A on the coding strand, the complement: SCN11A is on the minus strand). VCF-style: chr3-38886215-G-T. GRCh37 (hg19) VCF-style: chr3-38927706-G-T.
Other names: c.2859C>A, p.Asn953Lys (NM_014139.3); short protein forms N953K.
Identifiers: ClinVar variation 1489820 (VCV001489820.8), dbSNP rs946867669, ClinGen allele CA72991416.

ClinVar aggregate classification (germline): Uncertain significance. Review status: criteria provided, multiple submitters, no conflicts (2 of 4 stars). 2 submissions from 2 submitters: Uncertain significance (2). Last evaluated 2025-08-29.

Conditions:
Inborn genetic diseases. Identifiers: MedGen C0950123, MeSH D030342.
Hereditary sensory and autonomic neuropathy type 7. Also called: HSAN VII; Neuropathy, hereditary sensory and autonomic, type VII. Identifiers: Orphanet 391397, MedGen C3809882, MONDO:0014244, OMIM 615548.
Familial episodic pain syndrome with predominantly lower limb involvement. Also called: Episodic pain syndrome, familial, 3. Identifiers: Orphanet 391384, Orphanet 391392, MedGen C3809899, MONDO:0014247, OMIM 615552.

Allele frequency attached by ClinVar (database versions not stated): gnomAD exomes 0.00001 and below 0.00001; TOPMed below 0.00001.
gnomAD v4.1: 11 of 1,612,488 alleles (0.00068%); highest among the groups gnomAD compares: Middle Eastern, 0.12%; no homozygotes.

Submissions (2):

Labcorp Genetics (formerly Invitae), Labcorp
Classification: Uncertain significance for Familial episodic pain syndrome with predominantly lower limb involvement; Hereditary sensory and autonomic neuropathy type 7. Last evaluated: 2025-08-29. Review status: criteria provided, single submitter. Criteria: Invitae Variant Classification Sherloc (09022015). Collection method: clinical testing. Allele origin: germline.
Comment: This sequence change replaces asparagine, which is neutral and polar, with lysine, which is basic and polar, at codon 953 of the SCN11A protein (p.Asn953Lys). This variant is present in population databases (no rsID available, gnomAD 0.0009%). This variant has not been reported in the literature in individuals affected with SCN11A-related conditions. ClinVar contains an entry for this variant (Variation ID: 1489820). An algorithm developed to predict the effect of missense changes on protein structure and function (PolyPhen-2) suggests that this variant is likely to be tolerated. In summary, the available evidence is currently insufficient to determine the role of this variant in disease. Therefore, it has been classified as a Variant of Uncertain Significance.

Ambry Genetics
Classification: Uncertain significance for Inborn genetic diseases. Last evaluated: 2023-06-12. Review status: criteria provided, single submitter. Criteria: Ambry Variant Classification Scheme 2023. Collection method: clinical testing. Allele origin: germline.